The following is an entry in ClinVar:

ClinVar aggregate classification (germline): Pathogenic/Likely pathogenic. Review status: criteria provided, multiple submitters, no conflicts (2 of 4 stars). 4 submissions from 4 submitters: Pathogenic (2); Likely pathogenic (2). Last evaluated 2024-08-16.

Conditions:
Intellectual disability, X-linked, with or without seizures, ARX-related. Also called: INTELLECTUAL DEVELOPMENTAL DISORDER, X-LINKED 29; MENTAL RETARDATION, X-LINKED 29; MENTAL RETARDATION, X-LINKED 32; MENTAL RETARDATION, X-LINKED 33; MENTAL RETARDATION, X-LINKED 38; MENTAL RETARDATION, X-LINKED 43. Identifiers: Orphanet 777, MedGen C0796244, MONDO:0010317, OMIM 300419.
Developmental and epileptic encephalopathy, 1 (DEE1). Also called: X-linked infantile spasms; West's syndrome; Tonic spasms with clustering, arrest of psychomotor development and hypsarrhythmia on EEG; X-Linked Infantile Spasm Syndrome; OHTAHARA SYNDROME, X-LINKED; INFANTILE SPASM SYNDROME, X-LINKED 1. Identifiers: MedGen C3463992, MONDO:0010632, OMIM 308350. Disease mechanism: loss of function.

Submissions (4):

GeneDx
Classification: Pathogenic. Last evaluated: 2024-08-16. Review status: criteria provided, single submitter. Criteria: GeneDx Variant Classification Process June 2021. Collection method: clinical testing. Allele origin: germline. Affected: yes.
Comment: Alanine repeat expansion in the first polyalanine tract of the ARX protein, extending the allele to 23 repeats; Published functional studies demonstrate a damaging effect as expansions in the first polyalanine repeat track are suggested to interfere with ARX-related regulation of KDM5C resulting in the misregulation of numerous downstream processes (PMID: 23246292); Published mouse models have also displayed severe seizures and learning disabilities (PMID: 19605412); Not observed at significant frequency in large population cohorts (gnomAD); This variant is associated with the following publications: (PMID: 26029707, 19605412, 23246292, 24077912, Selch_2013_Abstract)

Women's Health and Genetics/Laboratory Corporation of America, LabCorp
Classification: Likely pathogenic for Developmental and epileptic encephalopathy, 1. Last evaluated: 2024-07-10. Review status: criteria provided, single submitter. Criteria: LabCorp Variant Classification Summary - May 2015. Collection method: clinical testing. Allele origin: germline.
Comment: Variant summary: ARX c.303_323dup21 (p.Ala109_Ala115dup) results in an in-frame duplication that is predicted to duplicate 7 amino acids into the encoded protein, resulting in an expansion of the first polyalanine tract of Arx. The frequency data for this variant in gnomAD is considered unreliable, as metrics indicate poor data quality at this position. To our knowledge, no occurrence of c.303_323dup21 in individuals affected with developmental and epileptic encephalopathy and no experimental evidence demonstrating its impact on protein function have been reported; however, a different variant with the same amino acid effect has been identified in multiple affected individuals and classified as pathogenic by our lab (c.315_335dup21; p.Ala109_Ala115dup), supporting the critical relevance of this variant to protein function. ClinVar contains an entry for this variant (Variation ID: 1070790). Based on the evidence outlined above, the variant was classified as likely pathogenic.

Labcorp Genetics (formerly Invitae), Labcorp
Classification: Pathogenic for Developmental and epileptic encephalopathy, 1; Intellectual disability, X-linked, with or without seizures, ARX-related. Last evaluated: 2023-01-13. Review status: criteria provided, single submitter. Criteria: Invitae Variant Classification Sherloc (09022015). Collection method: clinical testing. Allele origin: germline.
Comment: This variant, c.303_323dup, results in the insertion of 7 amino acid(s) of the ARX protein (p.Ala109_Ala115dup), but otherwise preserves the integrity of the reading frame. The frequency data for this variant in the population databases is considered unreliable, as metrics indicate insufficient coverage at this position in the gnomAD database. A different variant (c.315_335dup) giving rise to the same protein effect has been determined to be pathogenic (PMID: 15726411, 17490853, 17664401, 23246292, 26029707). This suggests that this variant is also likely to be causative of disease. ClinVar contains an entry for this variant (Variation ID: 1070790). This variant results in expansion of a poly-alanine tract in ARX. Expansions of the alanine tracts in ARX have been observed in individuals with ARX-related conditions (PMID: 11889467, 17664401, 23246292). For these reasons, this variant has been classified as Pathogenic.

MGZ Medical Genetics Center
Classification: Likely pathogenic for Developmental and epileptic encephalopathy, 1. Last evaluated: 2022-04-21. Review status: criteria provided, single submitter. Criteria: ACMG Guidelines, 2015. Collection method: clinical testing. Allele origin: germline. Affected: yes. Observed: 1 variant allele.
Comment: ACMG criteria applied: PS3_MOD, PS4_MOD, PM4, PM2_SUP

Literature cited by the submitters: PubMed 15726411 (cited by Labcorp Genetics (formerly Invitae), Labcorp); PubMed 17490853 (cited by Labcorp Genetics (formerly Invitae), Labcorp); PubMed 17664401 (cited by Labcorp Genetics (formerly Invitae), Labcorp); PubMed 23246292 (cited by Labcorp Genetics (formerly Invitae), Labcorp); PubMed 26029707 (cited by Labcorp Genetics (formerly Invitae), Labcorp); PubMed 11889467 (cited by Labcorp Genetics (formerly Invitae), Labcorp).

NM_139058.3(ARX):c.303_323dup (p.Ala109_Ala115dup)

Genes: ARX (aristaless related homeobox; minus strand), LOC109610631 (aristaless related homeobox polyalanine expansion region; plus strand). Cytogenetic location: Xp21.3.
Variant type: Duplication.
Coding change: c.303_323dup on transcript NM_139058.3 (MANE Select); coding-DNA positions 303 to 323, 21 bases duplicated (AGCGGCGGCGGCGGCGGCGGC).
Protein change: p.Ala109_Ala115dup.
Molecular consequence: inframe insertion.
Genome position (GRCh38, 1-based): chrX:25,013,672-25,013,692, GCCGCCGCCGCCGCCGCCGCT duplicated on the plus strand (AGCGGCGGCGGCGGCGGCGGC on the coding strand, the reverse complement: ARX is on the minus strand); duplicating any 21 consecutive bases within chrX:25,013,672-25,013,697 gives the same sequence; the c. name uses the placement nearest the transcript's 3' end. VCF-style (leftmost placement, unchanged base first): chrX-25013671-C-CGCCGCCGCCGCCGCCGCCGCT. GRCh37 (hg19) VCF-style: chrX-25031788-C-CGCCGCCGCCGCCGCCGCCGCT.
Other names: c.303_323dup21 (NM_139058.3).
Identifiers: ClinVar variation 1070790 (VCV001070790.18), dbSNP rs2147324381, ClinGen allele CA2499226598.